The following is an entry in ClinVar:

NM_014915.3(ANKRD26):c.3612_3616del (p.Glu1205fs)

Gene: ANKRD26 (ankyrin repeat domain 26; minus strand). Cytogenetic location: 10p12.1.
Variant type: Deletion.
Coding change: c.3612_3616del on transcript NM_014915.3 (MANE Select); coding-DNA positions 3612 to 3616, 5 bases deleted (AGAAA; older notation c.3612_3616delAGAAA).
Protein change: p.Glu1205fs; shifts the reading frame from glutamic acid 1205.
Molecular consequence: frameshift variant.
Genome position (GRCh38, 1-based): chr10:27,034,834-27,034,838, TTTCT deleted on the plus strand (AGAAA on the coding strand, the reverse complement: ANKRD26 is on the minus strand); deleting any 5 consecutive bases within chr10:27,034,834-27,034,841 gives the same sequence; the c. name uses the placement nearest the transcript's 3' end. VCF-style (leftmost placement, unchanged base first): chr10-27034833-CTTTCT-C. GRCh37 (hg19) VCF-style: chr10-27323762-CTTTCT-C.
Other names: c.3612_3616del (NM_014915.2); c.3609_3613del, p.Glu1204fs (NM_001256053.2); c.3609_3613delAAAAG, p.Glu1205Thrfs (NM_014915.2); short protein forms E1204fs, E1205fs.
Identifiers: ClinVar variation 2886803 (VCV002886803.4), dbSNP rs748473728, ClinGen allele CA5448011.

ClinVar aggregate classification (germline): Uncertain significance. Review status: criteria provided, multiple submitters, no conflicts (2 of 4 stars). 2 submissions from 2 submitters: Uncertain significance (2). Last evaluated 2024-11-06.

Submissions (2):

Labcorp Genetics (formerly Invitae), Labcorp
Classification: Uncertain significance. Last evaluated: 2024-11-06. Review status: criteria provided, single submitter. Criteria: Invitae Variant Classification Sherloc (09022015). Collection method: clinical testing. Allele origin: germline.
Comment: This sequence change creates a premature translational stop signal (p.Glu1205Thrfs*5) in the ANKRD26 gene. It is expected to result in an absent or disrupted protein product. However, the current clinical and genetic evidence is not sufficient to establish whether loss-of-function variants in ANKRD26 cause disease. This variant is present in population databases (rs748473728, gnomAD 0.02%). This variant has not been reported in the literature in individuals affected with ANKRD26-related conditions. ClinVar contains an entry for this variant (Variation ID: 2886803). In summary, the available evidence is currently insufficient to determine the role of this variant in disease. Therefore, it has been classified as a Variant of Uncertain Significance.

GeneDx
Classification: Uncertain significance. Last evaluated: 2023-06-27. Review status: criteria provided, single submitter. Criteria: GeneDx Variant Classification Process June 2021. Collection method: clinical testing. Allele origin: germline. Affected: yes.
Comment: Not observed at significant frequency in large population cohorts (gnomAD); Has not been previously published as pathogenic or benign to our knowledge; Frameshift variant predicted to result in protein truncation or nonsense mediated decay in a gene for which loss-of-function is not a known mechanism of disease